The following is an entry in ClinVar:

ClinVar aggregate classification (germline): Pathogenic (1 of 4 stars; one submission).

Conditions:
Diamond-Blackfan anemia 7 (DBA7). Also called: RPL11-Related Diamond-Blackfan Anemia. Identifiers: Orphanet 124, MedGen C2675512, MONDO:0012938, OMIM 612562.

Submission:

New York Genome Center
Classification: Pathogenic for Diamond-Blackfan anemia 7. Last evaluated: 2024-03-12. Review status: criteria provided, single submitter. Criteria: NYGC Assertion Criteria 2020. Collection method: clinical testing. Allele origin: de novo. Affected: yes. Observed: 1 variant allele.
Comment: The 1p36.12p36.11 deletion is an interstitial deletion of approximately 714 kb on the short arm of chromosome 1 spanning chr1:23200857_23914935. This region includes 21 genes with 5 OMIM disease associated genes (HNRNPR, RPL11, GALE, HMGCL, and FUCA1), 2 of these genes are associated with autosomal dominant disease (HNRNPR and RPL11). Deletions of this region are not observed in the gnomAD SV v4 or gnomAD CNVs 4.0 databases suggesting that this deletion is not a common benign polymorphism in the populations represented by those databases. This region has not been curated as a known recurrent deletion and has not been published in the literature to our knowledge. Pathogenic loss of function variants in RPL11 are associated with Diamond-Blackfan anemia 7 [AD;MIM#612562] and CNVs may account for approximately 10% of pathogenic variants in RPL11 [PMID: 20301769]. Based on the available evidence, the 1p36.12p36.11 deletion is classified as Pathogenic for Diamond Blackfan anemia caused by deletion of the RPL11 gene.

Literature cited by the submitters: PubMed 20301769.

GRCh38/hg38 1p36.12-36.11(chr1:23200857-23914935)x1

Genes: ASAP3 (ArfGAP with SH3 domain, ankyrin repeat and PH domain 3; minus strand), CNR2 (cannabinoid receptor 2; minus strand), E2F2 (E2F transcription factor 2; minus strand), ELOA (elongin A; plus strand), ELOA-AS1 (ELOA antisense RNA 1; minus strand) and 72 more. Cytogenetic location: 1p36.12-36.11.
Variant type: copy number loss.
Change: copy number 1 (one copy instead of two) of chr1:23,200,857-23,914,935 (714.1 kb, GRCh38 coordinates, 1-based), cytogenetic band 1p36.12-36.11.
Identifiers: ClinVar variation 4888366 (VCV004888366.1).